The following continues an entry in ClinVar:

NM_000136.3(FANCC):c.553C>T (p.Arg185Ter)

ClinVar aggregate classification (germline): Pathogenic. Pathogenic (12). ClinVar aggregate classification (oncogenicity): Likely oncogenic.

Submissions 11 to 15 of 15:

GeneDx
Classification: Pathogenic. Last evaluated: 2022-06-03. Review status: criteria provided, single submitter. Criteria: GeneDx Variant Classification Process June 2021. Collection method: clinical testing. Allele origin: germline. Affected: yes.
Comment: Predicted to result in protein truncation or nonsense mediated decay, either by premature stop or splice defect, in a gene for which loss-of-function is a known mechanism of disease (Gibson 1993, Belanger 2013); Published functional studies demonstrate a damaging effect: skipping of the in-frame exon 7, impaired protein migration, and reduced ability to repair DNA interstrand crosslinks (Gibson 1993, Belanger 2013); Observed in the homozygous and compound heterozygous state in patients with Fanconi anemia in published literature (Gibson 1993, Tsangaris 2011, Gille 2012); Observed in the heterozygous state in individuals with FANCC-related cancers (Thompson 2012, Schrader 2016, Melloni 2017, Dork 2019); This variant is associated with the following publications: (PMID: 25525159, 12670332, 21659346, 23028338, 28259476, 26681312, 29416752, 26689913, 20509860, 22778927, 27577878, 30322717, 28125078, 7746424, 26556299, 31467304, 28569218, 7689011, 29625052, 32885271, 32427313)

Fulgent Genetics
Classification: Pathogenic for Fanconi anemia complementation group C. Last evaluated: 2021-07-06. Review status: criteria provided, single submitter. Criteria: ACMG Guidelines, 2015. Collection method: clinical testing. Allele origin: unknown.

Women's Health and Genetics/Laboratory Corporation of America, LabCorp
Classification: Pathogenic for Fanconi anemia complementation group C. Last evaluated: 2017-04-03. Review status: criteria provided, single submitter. Criteria: LabCorp Variant Classification Summary - May 2015. Collection method: clinical testing. Allele origin: germline.
Comment: Variant summary: The FANCC c.553C>T (p.Arg185X) variant involves the alteration of a non-conserved nucleotide, resulting in a nonsense codon. One in silico tool predicts a damaging outcome for this variant. This variant was found in the large control database ExAC at a frequency of 0.0000414 (5/120748 control chromosomes), which does not exceed the estimated maximal expected allele frequency of a pathogenic FANCC variant (0.0017678). Several reports in the literature have detected the variant among individuals diagnosed with a variety of cancers, including 2 families where the variant segregated with disease in 4 individuals (Verlander_AJHG_1994). Functional studies have revealed that the variant causes partial skip of exon 6 and is predicted to result in frameshit in cell culture via cDNA analysis (Palagyi_MC_2010). In addition, multiple clinical diagnostic laboratories/reputable databases classified this variant as pathogenic. Taken together, this variant is classified as pathogenic.

OMIM
Classification: Pathogenic for FANCONI ANEMIA, COMPLEMENTATION GROUP C. Last evaluated: 2015-06-15. Review status: no assertion criteria provided. Collection method: literature only. Allele origin: germline. Not counted in ClinVar's aggregate classification.

Department of Pathology and Laboratory Medicine, Sinai Health System
Classification: Pathogenic for Malignant tumor of breast. Review status: no assertion criteria provided. Collection method: clinical testing. Allele origin: unknown. Affected: yes. Study: The Canadian Open Genetics Repository (COGR). Not counted in ClinVar's aggregate classification.
Comment: The FANCC p.Arg185* variant was identified in 8 of 20760 proband chromosomes (frequency: 0.0004) from individuals or families with breast cancer or as co-occurring with a pathogenic variant in FANCC in compound heterozygous individuals with Fanconi anemia (Ameziane 2008, Chandasekharappa 2013, Gille 2012, Susswein 2015, Thompson 2012, Verlander 1994). The variant was also identified in dbSNP (ID: rs121917783) as "With Pathogenic allele", ClinVar (classified as pathogenic by Invitae, GeneDx, Ambry Genetics, and two other clinical laboratories), and LOVD 3.0 (18x). The variant was not identified in the Cosmic database. The variant was identified in control databases in 19 of 277128 chromosomes at a frequency of 0.00007 (Genome Aggregation Database Feb 27, 2017). The variant was observed in the following populations: European in 17 of 126654 chromosomes (freq: 0.0001), African in 1 of 24014 chromosomes (freq: 0.00004), and South Asian in 1 of 30778 chromosomes (freq: 0.00003), but not in the Other, Latino, Ashkenazi Jewish, East Asian, or Finnish populations. The p.Arg185* variant leads to a premature stop codon at position 185, which is predicted to lead to a truncated or absent protein and loss of function. Loss of function variants of the FANCC gene are an established mechanism of disease in FANCC-associated cancer and is the type of variant expected to cause the disorder. In summary, based on the above information, this variant meets our laboratoryâ€šÃ„Ã´s criteria to be classified as pathogenic.

Literature cited by the submitters: PubMed 7689011 (cited by 4 submitters); PubMed 8128956 (cited by 3 submitters); PubMed 17924555 (cited by 3 submitters); PubMed 22778927 (cited by 4 submitters); PubMed 23028338 (cited by 4 submitters); PubMed 23613520 (cited by Labcorp Genetics (formerly Invitae), Labcorp and Quest Diagnostics Nichols Institute San Juan Capistrano); PubMed 26681312 (cited by 4 submitters); PubMed 20509860 (cited by 4 submitters); PubMed 21659346 (cited by Ambry Genetics and Quest Diagnostics Nichols Institute San Juan Capistrano); PubMed 27577878 (cited by Ambry Genetics); PubMed 28125078 (cited by Ambry Genetics and Quest Diagnostics Nichols Institute San Juan Capistrano); PubMed 28259476 (cited by Ambry Genetics and Quest Diagnostics Nichols Institute San Juan Capistrano); PubMed 33471991 (cited by Quest Diagnostics Nichols Institute San Juan Capistrano); Gibson, R. A., Hajianpour, A., Buchwald, M., Mathew, C. G. Screening the FACC gene for mutations in patients with Fanconi anaemia. (Abstract) Am. J. Hum. Genet. 51 (suppl.): A216-only, 1992. (cited by OMIM).